The following is an entry in ClinVar:

NM_006012.4(CLPP):c.262A>T (p.Met88Leu)

Genes: CLPP (caseinolytic mitochondrial matrix peptidase proteolytic subunit; plus strand), LOC130063288 (ATAC-STARR-seq lymphoblastoid silent region 9948; plus strand). Cytogenetic location: 19p13.3.
Variant type: single nucleotide variant.
Coding change: c.262A>T on transcript NM_006012.4 (MANE Select); coding-DNA position 262, A replaced by T.
Protein change: p.Met88Leu; replaces methionine 88 with leucine.
Molecular consequence: missense variant.
Genome position (GRCh38, 1-based): chr19:6,361,932, A>T. VCF-style: chr19-6361932-A-T. GRCh37 (hg19) VCF-style: chr19-6361943-A-T.
Other names: short protein forms M88L.
Identifiers: ClinVar variation 3358989 (VCV003358989.3).

ClinVar aggregate classification (germline): Uncertain significance (1 of 4 stars; one submission).

Conditions:
Perrault syndrome 3 (PRLTS3). Identifiers: Orphanet 2855, MedGen C3808414, MONDO:0013588, OMIM 614129.

Submission:

Institute of Human Genetics, University of Leipzig Medical Center
Classification: Uncertain significance for Perrault syndrome 3. Last evaluated: 2026-05-19. Review status: criteria provided, single submitter. Criteria: ACMG Guidelines, 2015. Collection method: clinical testing. Allele origin: inherited. Inheritance: Autosomal recessive inheritance. Affected: yes.
Comment: Criteria applied: PM2,PM3,PP4